The following is an entry in ClinVar:

ClinVar aggregate classification (germline): Conflicting classifications of pathogenicity. Review status: criteria provided, conflicting classifications (1 of 4 stars). 2 submissions from 2 submitters: Uncertain significance (1); Likely benign (1). Last evaluated 2022-01-01.

Conditions:
Duchenne muscular dystrophy (DMD). Also called: Duchenne Muscular Dystrophy (DMD); MUSCULAR DYSTROPHY, PSEUDOHYPERTROPHIC PROGRESSIVE, DUCHENNE TYPE. Identifiers: Orphanet 98896, MedGen C0013264, MONDO:0010679, OMIM 310200.

Allele frequency attached by ClinVar (database versions not stated): gnomAD exomes below 0.00001.
gnomAD v4.1: 2 of 1,198,716 alleles (0.00017%); highest among the groups gnomAD compares: South Asian, 0.0018%; no homozygotes.

Submissions (2):

Labcorp Genetics (formerly Invitae), Labcorp
Classification: Uncertain significance for Duchenne muscular dystrophy. Last evaluated: 2022-01-01. Review status: criteria provided, single submitter. Criteria: Invitae Variant Classification Sherloc (09022015). Collection method: clinical testing. Allele origin: germline.
Comment: This sequence change falls in intron 65 of the DMD gene. It does not directly change the encoded amino acid sequence of the DMD protein. It affects a nucleotide within the consensus splice site. This variant is not present in population databases (gnomAD no frequency). This variant has not been reported in the literature in individuals affected with DMD-related conditions. ClinVar contains an entry for this variant (Variation ID: 515371). Variants that disrupt the consensus splice site are a relatively common cause of aberrant splicing (PMID: 17576681, 9536098). Algorithms developed to predict the effect of sequence changes on RNA splicing suggest that this variant is not likely to affect RNA splicing. In summary, the available evidence is currently insufficient to determine the role of this variant in disease. Therefore, it has been classified as a Variant of Uncertain Significance.

GeneDx
Classification: Likely benign. Last evaluated: 2018-02-15. Review status: criteria provided, single submitter. Criteria: GeneDx Variant Classification (06012015). Collection method: clinical testing. Allele origin: germline. Affected: yes.
Comment: This variant is considered likely benign or benign based on one or more of the following criteria: it is a conservative change, it occurs at a poorly conserved position in the protein, it is predicted to be benign by multiple in silico algorithms, and/or has population frequency not consistent with disease.

Literature cited by the submitters: PubMed 17576681 (cited by Labcorp Genetics (formerly Invitae), Labcorp); PubMed 9536098 (cited by Labcorp Genetics (formerly Invitae), Labcorp).

NM_004006.3(DMD):c.9564-3T>C

Gene: DMD (dystrophin; minus strand). Cytogenetic location: Xp21.2.
Variant type: single nucleotide variant.
Coding change: c.9564-3T>C on transcript NM_004006.3 (MANE Select); 3 bases into the intron before coding-DNA position 9564, T replaced by C.
Molecular consequence: intron variant.
Genome position (GRCh38, 1-based): chrX:31,206,670, A>G on the plus strand (T>C on the coding strand, the complement: DMD is on the minus strand). VCF-style: chrX-31206670-A-G. GRCh37 (hg19) VCF-style: chrX-31224787-A-G.
Other names: c.9540-3T>C (NM_000109.4); c.5541-3T>C (NM_004011.4); c.5532-3T>C (NM_004012.4); c.2184-3T>C (NM_004023.3, NM_004020.4, NM_004022.3 and 2 more transcripts); c.1377-3T>C (NM_004014.3); c.360-3T>C (NM_004018.3, NM_004017.3, NM_004016.3 and 2 more transcripts); c.9552-3T>C (NM_004009.3); c.9195-3T>C (NM_004010.3).
Identifiers: ClinVar variation 515371 (VCV000515371.11), dbSNP rs1556257538, ClinGen allele CA658799637.